The following is an entry in ClinVar:

ClinVar aggregate classification (germline): Uncertain significance (1 of 4 stars; one submission).

Conditions:
SIM1-related disorder. Also called: SIM1-related disorders; SIM1-related condition.

gnomAD v4.1: 3 of 1,614,020 alleles (0.00019%); highest among the groups gnomAD compares: African/African-American, 0.004%; no homozygotes.

Submission:

PreventionGenetics, part of Exact Sciences
Classification: Uncertain significance for SIM1-related condition. Last evaluated: 2024-11-13. Review status: criteria provided, single submitter. Criteria: ACMG Guidelines, 2015. Collection method: clinical testing. Allele origin: germline.
Comment: The SIM1 c.2015T>G variant is predicted to result in the amino acid substitution p.Ile672Ser. To our knowledge, this variant has not been reported in the literature. This variant is reported in 0.012% of alleles in individuals of African descent in gnomAD. At this time, the clinical significance of this variant is uncertain due to the absence of conclusive functional and genetic evidence.

NM_005068.3(SIM1):c.2015T>G (p.Ile672Ser)

Gene: SIM1 (SIM bHLH transcription factor 1; minus strand). Cytogenetic location: 6q16.3.
Variant type: single nucleotide variant.
Coding change: c.2015T>G on transcript NM_005068.3 (MANE Select); coding-DNA position 2015, T replaced by G.
Protein change: p.Ile672Ser; replaces isoleucine 672 with serine.
Molecular consequence: missense variant.
Genome position (GRCh38, 1-based): chr6:100,390,647, A>C on the plus strand (T>G on the coding strand, the complement: SIM1 is on the minus strand). VCF-style: chr6-100390647-A-C. GRCh37 (hg19) VCF-style: chr6-100838523-A-C.
Other names: c.2015T>G, p.Ile672Ser (NM_001374769.1); short protein forms I672S.
Identifiers: ClinVar variation 5002054 (VCV005002054.1).